The following is an entry in ClinVar:

NM_007126.5(VCP):c.995T>C (p.Met332Thr)

Gene: VCP (valosin containing protein; minus strand). Cytogenetic location: 9p13.3.
Variant type: single nucleotide variant.
Coding change: c.995T>C on transcript NM_007126.5 (MANE Select); coding-DNA position 995, T replaced by C.
Protein change: p.Met332Thr; replaces methionine 332 with threonine.
Molecular consequence: missense variant.
Genome position (GRCh38, 1-based): chr9:35,062,089, A>G on the plus strand (T>C on the coding strand, the complement: VCP is on the minus strand). VCF-style: chr9-35062089-A-G. GRCh37 (hg19) VCF-style: chr9-35062086-A-G.
Other names: c.860T>C, p.Met287Thr (NM_001354927.2, NM_001354928.2); short protein forms M287T, M332T.
Identifiers: ClinVar variation 846874 (VCV000846874.11), dbSNP rs1828737891, ClinGen allele CA373284630.

ClinVar aggregate classification (germline): Uncertain significance. Review status: criteria provided, multiple submitters, no conflicts (2 of 4 stars). 2 submissions from 2 submitters: Uncertain significance (2). Last evaluated 2024-05-29.

Conditions:
Inclusion body myopathy with Paget disease of bone and frontotemporal dementia. Also called: Inclusion body myopathy with early-onset Paget disease and frontotemporal dementia. Identifiers: Orphanet 52430, MedGen C1833662, MONDO:0000507.
Frontotemporal dementia and/or amyotrophic lateral sclerosis 6 (FTDALS6). Also called: VCP-Related Amyotrophic Lateral Sclerosis; VCP-Related Amyotrophic Lateral Sclerosis/Frontotemporal Dementia. Identifiers: Orphanet 275872, Orphanet 803, MedGen C5436279, MONDO:0013501, OMIM 613954.

Submissions (2):

GeneDx
Classification: Uncertain significance. Last evaluated: 2024-05-29. Review status: criteria provided, single submitter. Criteria: GeneDx Variant Classification Process June 2021. Collection method: clinical testing. Allele origin: germline. Affected: yes.
Comment: Not observed at significant frequency in large population cohorts (gnomAD); In silico analysis supports that this missense variant has a deleterious effect on protein structure/function; Has not been previously published as pathogenic or benign to our knowledge

Labcorp Genetics (formerly Invitae), Labcorp
Classification: Uncertain significance for Inclusion body myopathy with Paget disease of bone and frontotemporal dementia; Frontotemporal dementia and/or amyotrophic lateral sclerosis 6. Last evaluated: 2022-07-19. Review status: criteria provided, single submitter. Criteria: Invitae Variant Classification Sherloc (09022015). Collection method: clinical testing. Allele origin: germline.
Comment: In summary, the available evidence is currently insufficient to determine the role of this variant in disease. Therefore, it has been classified as a Variant of Uncertain Significance. Algorithms developed to predict the effect of missense changes on protein structure and function are either unavailable or do not agree on the potential impact of this missense change (SIFT: "Not Available"; PolyPhen-2: "Probably Damaging"; Align-GVGD: "Not Available"). ClinVar contains an entry for this variant (Variation ID: 846874). This variant has not been reported in the literature in individuals affected with VCP-related conditions. This variant is not present in population databases (gnomAD no frequency). This sequence change replaces methionine, which is neutral and non-polar, with threonine, which is neutral and polar, at codon 332 of the VCP protein (p.Met332Thr).